The following is an entry in ClinVar:

ClinVar aggregate classification (germline): Benign/Likely benign. Review status: criteria provided, multiple submitters, no conflicts (2 of 4 stars). 4 submissions from 4 submitters: Benign (1); Likely benign (2). 1 of the submissions does not count toward it. Last evaluated 2025-06-02.

Conditions:
CREBBP-related disorder. Also called: CREBBP-related disorders; CREBBP-related condition.
Rubinstein-Taybi syndrome (RSTS). Identifiers: Orphanet 783, MedGen C0035934, MONDO:0019188.

Allele frequency attached by ClinVar (database versions not stated): gnomAD exomes 0.00006; gnomAD 0.00008; TOPMed 0.00009; 1000 Genomes Project 30x 0.00016; ExAC 0.00019; 1000 Genomes Project 0.00020.
gnomAD v4.1: 98 of 1,614,148 alleles (0.0061%); highest among the groups gnomAD compares: East Asian, 0.094%; no homozygotes.

Submissions (4):

Labcorp Genetics (formerly Invitae), Labcorp
Classification: Benign for Rubinstein-Taybi syndrome. Last evaluated: 2025-06-02. Review status: criteria provided, single submitter. Criteria: Invitae Variant Classification Sherloc (09022015). Collection method: clinical testing. Allele origin: germline.

Blueprint Genetics
Classification: Likely benign. Last evaluated: 2024-11-20. Review status: criteria provided, single submitter. Criteria: ACMG Guidelines, 2015. Collection method: clinical testing. Allele origin: germline.

CeGaT Center for Human Genetics Tuebingen
Classification: Likely benign. Last evaluated: 2022-11-01. Review status: criteria provided, single submitter. Criteria: CeGaT Center For Human Genetics Tuebingen Variant Classification Criteria Version 2. Collection method: clinical testing. Allele origin: germline. Affected: yes. Observed: 1 variant allele.
Comment: CREBBP: PP2, BP4, BS1

PreventionGenetics, part of Exact Sciences
Classification: Likely benign for CREBBP-related condition. Last evaluated: 2021-07-16. Review status: no assertion criteria provided. Collection method: clinical testing. Allele origin: germline. Not counted in ClinVar's aggregate classification.
Comment: This variant is classified as likely benign based on ACMG/AMP sequence variant interpretation guidelines (Richards et al. 2015 PMID: 25741868, with internal and published modifications).

NM_004380.3(CREBBP):c.7256C>T (p.Ala2419Val)

Gene: CREBBP (CREB binding lysine acetyltransferase; minus strand). Cytogenetic location: 16p13.3.
Variant type: single nucleotide variant.
Coding change: c.7256C>T on transcript NM_004380.3 (MANE Select); coding-DNA position 7256, C replaced by T.
Protein change: p.Ala2419Val; replaces alanine 2419 with valine.
Molecular consequence: missense variant.
Genome position (GRCh38, 1-based): chr16:3,727,791, G>A on the plus strand (C>T on the coding strand, the complement: CREBBP is on the minus strand). VCF-style: chr16-3727791-G-A. GRCh37 (hg19) VCF-style: chr16-3777792-G-A.
Other names: c.7142C>T, p.Ala2381Val (NM_001079846.1); c.7256C>T (NM_004380.2); short protein forms A2419V, A2381V.
Identifiers: ClinVar variation 2066079 (VCV002066079.30), dbSNP rs200566758, ClinGen allele CA7868926.
Genomic context (GRCh38, chr16:3,727,791, plus strand): 5'-ACAAACTTCTCTAGCGTGTCCCCCGTGGTGTCCCCGACCAGGGACAGTTCGCTGGACAGC[G>A]CACTCCTGCTGGGGGTGTTCAGCTGGGGGAGCATTGCACTCTGTTCGGGGTTCCCCAAGT-3'
Protein context (NP_004371.2, residues 2409-2429): LPQLNTPSRS[Ala2419Val]LSSELSLVGD